The following is an entry in ClinVar:

ClinVar aggregate classification (germline): Conflicting classifications of pathogenicity. Review status: criteria provided, conflicting classifications (1 of 4 stars). 3 submissions from 3 submitters: Uncertain significance (2); Likely benign (1). Last evaluated 2026-03-01.

Conditions:
Inborn genetic diseases. Identifiers: MedGen C0950123, MeSH D030342.
Cyclical neutropenia. Also called: Cyclic hematopoiesis; Cyclic Neutropenia. Identifiers: Orphanet 2686, MedGen C0221023, MONDO:0008090, OMIM 162800, HP:0040289. Disease mechanism: loss of function.
Neutropenia, severe congenital, 1, autosomal dominant. Identifiers: MedGen C1859966, MONDO:0042490, OMIM 202700.

Allele frequency attached by ClinVar (database versions not stated): TOPMed 0.00001.

Submissions (3):

CeGaT Center for Human Genetics Tuebingen
Classification: Likely benign. Last evaluated: 2026-03-01. Review status: criteria provided, single submitter. Criteria: CeGaT Center For Human Genetics Tuebingen Variant Classification Criteria Version 2. Collection method: clinical testing. Allele origin: germline. Affected: yes. Observed: 1 variant allele.
Comment: ELANE: BP4

Ambry Genetics
Classification: Uncertain significance for Inborn genetic diseases. Last evaluated: 2025-04-28. Review status: criteria provided, single submitter. Criteria: Ambry Variant Classification Scheme 2023. Collection method: clinical testing. Allele origin: germline.

Labcorp Genetics (formerly Invitae), Labcorp
Classification: Uncertain significance for Neutropenia, severe congenital 1, autosomal dominant; Cyclical neutropenia. Last evaluated: 2019-10-19. Review status: criteria provided, single submitter. Criteria: Invitae Variant Classification Sherloc (09022015). Collection method: clinical testing. Allele origin: germline.
Comment: This sequence change replaces alanine with glycine at codon 8 of the ELANE protein (p.Ala8Gly). The alanine residue is weakly conserved and there is a small physicochemical difference between alanine and glycine. This variant is not present in population databases (ExAC no frequency). This variant has not been reported in the literature in individuals with ELANE-related conditions. Algorithms developed to predict the effect of missense changes on protein structure and function (SIFT, PolyPhen-2, Align-GVGD) all suggest that this variant is likely to be tolerated, but these predictions have not been confirmed by published functional studies and their clinical significance is uncertain. In summary, the available evidence is currently insufficient to determine the role of this variant in disease. Therefore, it has been classified as a Variant of Uncertain Significance.

NM_001972.4(ELANE):c.23C>G (p.Ala8Gly)

Gene: ELANE (elastase, neutrophil expressed; plus strand). Cytogenetic location: 19p13.3.
Variant type: single nucleotide variant.
Coding change: c.23C>G on transcript NM_001972.4 (MANE Select); coding-DNA position 23, C replaced by G.
Protein change: p.Ala8Gly; replaces alanine 8 with glycine.
Molecular consequence: missense variant.
Genome position (GRCh38, 1-based): chr19:852,351, C>G. VCF-style: chr19-852351-C-G. GRCh37 (hg19) VCF-style: chr19-852351-C-G.
Other names: short protein forms A8G.
Identifiers: ClinVar variation 968956 (VCV000968956.9), dbSNP rs201961347, ClinGen allele CA303942228.